The following is an entry in ClinVar:

ClinVar aggregate classification (germline): Pathogenic. Review status: criteria provided, multiple submitters, no conflicts (2 of 4 stars). 2 submissions from 2 submitters: Pathogenic (2). Last evaluated 2023-11-27.

Conditions:
Early-infantile DEE. Also called: Ohtahara syndrome; Early infantile epileptic encephalopathy with suppression bursts; Early infantile epileptic encephalopathy. Identifiers: Orphanet 1934, MedGen C0393706, MONDO:0800491.

Submissions (2):

Labcorp Genetics (formerly Invitae), Labcorp
Classification: Pathogenic for Early-infantile DEE. Last evaluated: 2023-11-27. Review status: criteria provided, single submitter. Criteria: Invitae Variant Classification Sherloc (09022015). Collection method: clinical testing. Allele origin: germline.
Comment: This sequence change creates a premature translational stop signal (p.Arg1402Metfs*9) in the SCN1A gene. It is expected to result in an absent or disrupted protein product. Loss-of-function variants in SCN1A are known to be pathogenic (PMID: 17347258, 18930999). This variant is not present in population databases (gnomAD no frequency). This premature translational stop signal has been observed in individual(s) with Dravet syndrome (PMID: 21396429). Algorithms developed to predict the effect of sequence changes on RNA splicing suggest that this variant may disrupt the consensus splice site. For these reasons, this variant has been classified as Pathogenic.

CeGaT Center for Human Genetics Tuebingen
Classification: Pathogenic. Last evaluated: 2018-06-01. Review status: criteria provided, single submitter. Criteria: CeGaT Center For Human Genetics Tuebingen Variant Classification Criteria Version 2. Collection method: clinical testing. Allele origin: germline. Affected: yes. Observed: 3 variant alleles.

Literature cited by the submitters: PubMed 17347258 (cited by Labcorp Genetics (formerly Invitae), Labcorp); PubMed 18930999 (cited by Labcorp Genetics (formerly Invitae), Labcorp); PubMed 21396429 (cited by Labcorp Genetics (formerly Invitae), Labcorp).

NM_001165963.4(SCN1A):c.4205_4208del (p.Arg1402fs)

Genes: SCN1A (sodium voltage-gated channel alpha subunit 1; minus strand), LOC102724058 (uncharacterized LOC102724058; plus strand). Cytogenetic location: 2q24.3.
Variant type: Microsatellite.
Coding change: c.4205_4208del on transcript NM_001165963.4 (MANE Select); coding-DNA positions 4205 to 4208, 4 bases deleted (GAAA; older notation c.4205_4208delGAAA).
Protein change: p.Arg1402fs; shifts the reading frame from arginine 1402.
Molecular consequence: frameshift variant. On other transcripts: non-coding transcript variant (1).
Genome position (GRCh38, 1-based): chr2:166,002,548-166,002,551, TTTC deleted on the plus strand (GAAA on the coding strand, the reverse complement: SCN1A is on the minus strand); deleting any 4 consecutive bases within chr2:166,002,548-166,002,556 gives the same sequence; the c. name uses the placement nearest the transcript's 3' end. VCF-style (leftmost placement, unchanged base first): chr2-166002547-ATTTC-A. GRCh37 (hg19) VCF-style: chr2-166859057-ATTTC-A.
Other names: c.4121_4124del, p.Arg1374fs (NM_001165964.3, NM_001353957.2, NM_001353958.2); c.4205_4208del, p.Arg1402fs (NM_001202435.3, NM_001353948.2); c.4172_4175del, p.Arg1391fs (NM_001353949.2, NM_001353950.2, NM_001353951.2 and 2 more transcripts); c.4169_4172del, p.Arg1390fs (NM_001353954.2, NM_001353955.2); c.4118_4121del, p.Arg1373fs (NM_001353960.2); c.1763_1766del, p.Arg588fs (NM_001353961.2); short protein forms R1391fs, R588fs, R1373fs, R1402fs, R1390fs, R1374fs.
Identifiers: ClinVar variation 871601 (VCV000871601.44), dbSNP rs1691048388, ClinGen allele CA1139655719.